The following is an entry in ClinVar:

ClinVar aggregate classification (germline): Likely benign (1 of 4 stars; one submission).

Conditions:
Juvenile polyposis/hereditary hemorrhagic telangiectasia syndrome (JPHT). Also called: JP/HHT SYNDROME; JUVENILE POLYPOSIS WITH HEREDITARY HEMORRHAGIC TELANGIECTASIA; POLYPOSIS, GENERALIZED JUVENILE, WITH PULMONARY ARTERIOVENOUS MALFORMATION; TELANGIECTASIA, HEREDITARY HEMORRHAGIC, WITH JUVENILE POLYPOSIS COLI; Juvenile Polyposis Syndrome / Hereditary Hemorrhagic Telangiectasia (JPS/HHT). Identifiers: Orphanet 2929, MedGen C1832942, MONDO:0008278, OMIM 175050.

gnomAD v4.1: 2 of 1,600,884 alleles (0.00012%); highest among the groups gnomAD compares: Non-Finnish European, 0.00017%; no homozygotes.

Submission:

Myriad Genetics, Inc.
Classification: Likely benign for Juvenile polyposis/hereditary hemorrhagic telangiectasia syndrome. Last evaluated: 2025-03-20. Review status: criteria provided, single submitter. Criteria: Myriad Autosomal Dominant, Autosomal Recessive and X-Linked Classification Criteria (2023). Collection method: clinical testing. Allele origin: unknown.
Comment: This variant is considered likely benign. This variant is intronic and is not expected to impact mRNA splicing.

NM_005359.6(SMAD4):c.956-20T>C

Gene: SMAD4 (SMAD family member 4; plus strand). Cytogenetic location: 18q21.2.
Variant type: single nucleotide variant.
Coding change: c.956-20T>C on transcript NM_005359.6 (MANE Select); 20 bases into the intron before coding-DNA position 956, T replaced by C.
Molecular consequence: intron variant.
Genome position (GRCh38, 1-based): chr18:51,065,403, T>C. VCF-style: chr18-51065403-T-C. GRCh37 (hg19) VCF-style: chr18-48591773-T-C.
Other names: c.956-20T>C (NM_001407042.1, NM_001407041.1, NM_001407043.1).
Identifiers: ClinVar variation 3903557 (VCV003903557.1).